The following is an entry in ClinVar:

NM_014845.6(FIG4):c.2047T>G (p.Leu683Val)

Gene: FIG4 (FIG4 phosphoinositide 5-phosphatase; plus strand). Cytogenetic location: 6q21.
Variant type: single nucleotide variant.
Coding change: c.2047T>G on transcript NM_014845.6 (MANE Select); coding-DNA position 2047, T replaced by G.
Protein change: p.Leu683Val; replaces leucine 683 with valine.
Molecular consequence: missense variant.
Genome position (GRCh38, 1-based): chr6:109,786,400, T>G. VCF-style: chr6-109786400-T-G. GRCh37 (hg19) VCF-style: chr6-110107603-T-G.
Other names: short protein forms L683V.
Identifiers: ClinVar variation 1037647 (VCV001037647.8), dbSNP rs761084217, ClinGen allele CA3956267.

ClinVar aggregate classification (germline): Uncertain significance (1 of 4 stars; one submission).

Conditions:
Charcot-Marie-Tooth disease type 4. Also called: Charcot-Marie-Tooth, Type 4; Charcot-Marie-Tooth disease, type IV. Identifiers: Orphanet 64749, MedGen C4082197, MONDO:0018995.

Allele frequency attached by ClinVar (database versions not stated): gnomAD exomes below 0.00001 and 0.00001; TOPMed below 0.00001.
gnomAD v4.1: 8 of 1,613,994 alleles (0.0005%); highest among the groups gnomAD compares: Non-Finnish European, 0.00068%; no homozygotes.

Submission:

Labcorp Genetics (formerly Invitae), Labcorp
Classification: Uncertain significance for Charcot-Marie-Tooth disease type 4. Last evaluated: 2022-03-18. Review status: criteria provided, single submitter. Criteria: Invitae Variant Classification Sherloc (09022015). Collection method: clinical testing. Allele origin: germline.
Comment: This variant has not been reported in the literature in individuals affected with FIG4-related conditions. ClinVar contains an entry for this variant (Variation ID: 1037647). Algorithms developed to predict the effect of missense changes on protein structure and function (SIFT, PolyPhen-2, Align-GVGD) all suggest that this variant is likely to be tolerated. Algorithms developed to predict the effect of sequence changes on RNA splicing suggest that this variant may disrupt the consensus splice site. In summary, the available evidence is currently insufficient to determine the role of this variant in disease. Therefore, it has been classified as a Variant of Uncertain Significance. This variant is present in population databases (rs761084217, gnomAD 0.0009%). This sequence change replaces leucine, which is neutral and non-polar, with valine, which is neutral and non-polar, at codon 683 of the FIG4 protein (p.Leu683Val).